The following is an entry in ClinVar:

NM_003900.5(SQSTM1):c.320G>A (p.Arg107Gln)

Gene: SQSTM1 (sequestosome 1; plus strand). Cytogenetic location: 5q35.3.
Variant type: single nucleotide variant.
Coding change: c.320G>A on transcript NM_003900.5 (MANE Select); coding-DNA position 320, G replaced by A.
Protein change: p.Arg107Gln; replaces arginine 107 with glutamine.
Molecular consequence: missense variant.
Genome position (GRCh38, 1-based): chr5:179,823,876, G>A. VCF-style: chr5-179823876-G-A. GRCh37 (hg19) VCF-style: chr5-179250876-G-A.
Other names: c.320G>A (NM_003900.4); c.68G>A, p.Arg23Gln (NM_001142298.2, NM_001142299.2); short protein forms R23Q, R107Q.
Identifiers: ClinVar variation 2935553 (VCV002935553.5), dbSNP rs1757884834, ClinGen allele CA362443401.
Genomic context (GRCh38, chr5:179,823,876, plus strand): 5'-TAGGGGGTCCCACCCTAGCGGCTCTCTTTACCCTTCCTGTAGAGAAAAAAGAGTGCCGGC[G>A]GGACCACCGCCCACCGTGTGCTCAGGAGGCGCCCCGCAACATGGTGCACCCCAATGTGAT-3'
Protein context (NP_003891.1, residues 97-117): IYIKEKKECR[Arg107Gln]DHRPPCAQEA

ClinVar aggregate classification (germline): Uncertain significance. Review status: criteria provided, multiple submitters, no conflicts (2 of 4 stars). 3 submissions from 3 submitters: Uncertain significance (3). Last evaluated 2026-01-20.

Conditions:
Frontotemporal dementia and/or amyotrophic lateral sclerosis 1 (FTDALS1). Also called: C9orf72 Frontotemporal Dementia and/or Amyotrophic Lateral Sclerosis; Frontotemporal dementia with motor neuron disease 1. Identifiers: Orphanet 275872, MedGen C5779877, MONDO:0007105, OMIM 105550.
Paget disease of bone 2, early-onset (PDB2). Also called: Paget disease of bone 2. Identifiers: MedGen C4085251, MONDO:0011183, OMIM 602080.

Allele frequency attached by ClinVar (database versions not stated): gnomAD exomes below 0.00001; TOPMed below 0.00001.
gnomAD v4.1: 2 of 1,612,616 alleles (0.00012%); highest among the groups gnomAD compares: South Asian, 0.0011%; no homozygotes.

Submissions (3):

Labcorp Genetics (formerly Invitae), Labcorp
Classification: Uncertain significance for Paget disease of bone 2, early-onset; Frontotemporal dementia and/or amyotrophic lateral sclerosis 1. Last evaluated: 2026-01-20. Review status: criteria provided, single submitter. Criteria: Invitae Variant Classification Sherloc (09022015). Collection method: clinical testing. Allele origin: germline.
Comment: This sequence change replaces arginine, which is basic and polar, with glutamine, which is neutral and polar, at codon 107 of the SQSTM1 protein (p.Arg107Gln). This variant is not present in population databases (gnomAD no frequency). This variant has not been reported in the literature in individuals affected with SQSTM1-related conditions. ClinVar contains an entry for this variant (Variation ID: 2935553). Invitae Evidence Modeling of protein sequence and biophysical properties (such as structural, functional, and spatial information, amino acid conservation, physicochemical variation, residue mobility, and thermodynamic stability) indicates that this missense variant is not expected to disrupt SQSTM1 protein function with a negative predictive value of 80%. In summary, the available evidence is currently insufficient to determine the role of this variant in disease. Therefore, it has been classified as a Variant of Uncertain Significance.

GeneDx
Classification: Uncertain significance. Last evaluated: 2024-12-12. Review status: criteria provided, single submitter. Criteria: GeneDx Variant Classification Process June 2021. Collection method: clinical testing. Allele origin: germline. Affected: yes.
Comment: Not observed at significant frequency in large population cohorts (gnomAD); In silico analysis indicates that this missense variant does not alter protein structure/function; Has not been previously published as pathogenic or benign to our knowledge; This variant is associated with the following publications: (PMID: Akin2023[Article])

Blueprint Genetics
Classification: Uncertain significance. Last evaluated: 2020-11-18. Review status: criteria provided, single submitter. Criteria: ACMG Guidelines, 2015. Collection method: clinical testing. Allele origin: germline.